The following is an entry in ClinVar:

NM_001200.4(BMP2):c.313C>G (p.Arg105Gly)

Gene: BMP2 (bone morphogenetic protein 2; plus strand). Cytogenetic location: 20p12.3.
Variant type: single nucleotide variant.
Coding change: c.313C>G on transcript NM_001200.4 (MANE Select); coding-DNA position 313, C replaced by G.
Protein change: p.Arg105Gly; replaces arginine 105 with glycine.
Molecular consequence: missense variant.
Genome position (GRCh38, 1-based): chr20:6,770,439, C>G. VCF-style: chr20-6770439-C-G. GRCh37 (hg19) VCF-style: chr20-6751086-C-G.
Other names: short protein forms R105G.
Identifiers: ClinVar variation 3700053 (VCV003700053.2).

ClinVar aggregate classification (germline): Uncertain significance (1 of 4 stars; one submission).

Submission:

Labcorp Genetics (formerly Invitae), Labcorp
Classification: Uncertain significance. Last evaluated: 2025-10-01. Review status: criteria provided, single submitter. Criteria: Invitae Variant Classification Sherloc (09022015). Collection method: clinical testing. Allele origin: germline.
Comment: This sequence change replaces arginine, which is basic and polar, with glycine, which is neutral and non-polar, at codon 105 of the BMP2 protein (p.Arg105Gly). The frequency data for this variant in the population databases is considered unreliable, as metrics indicate poor data quality at this position in the gnomAD database. This variant has not been reported in the literature in individuals affected with BMP2-related conditions. ClinVar contains an entry for this variant (Variation ID: 3700053). An algorithm developed to predict the effect of missense changes on protein structure and function (PolyPhen-2) suggests that this variant is likely to be tolerated. In summary, the available evidence is currently insufficient to determine the role of this variant in disease. Therefore, it has been classified as a Variant of Uncertain Significance.